The following is an entry in ClinVar:

NM_006648.4(WNK2):c.2204C>A (p.Ala735Asp)

Gene: WNK2 (WNK lysine deficient protein kinase 2; plus strand). Cytogenetic location: 9q22.31.
Variant type: single nucleotide variant.
Coding change: c.2204C>A on transcript NM_006648.4 (MANE Select); coding-DNA position 2204, C replaced by A.
Protein change: p.Ala735Asp; replaces alanine 735 with aspartic acid.
Molecular consequence: missense variant.
Genome position (GRCh38, 1-based): chr9:93,256,961, C>A. VCF-style: chr9-93256961-C-A. GRCh37 (hg19) VCF-style: chr9-96019243-C-A.
Other names: c.2204C>A, p.Ala735Asp (NM_001282394.3); short protein forms A735D.
Identifiers: ClinVar variation 4605186 (VCV004605186.1).

ClinVar aggregate classification (germline): Uncertain significance (1 of 4 stars; one submission).

Submission:

Ambry Genetics
Classification: Uncertain significance. Last evaluated: 2025-09-25. Review status: criteria provided, single submitter. Criteria: Ambry Variant Classification Scheme 2023. Collection method: clinical testing. Allele origin: germline.
Comment: The p.A735D variant (also known as c.2204C>A), located in coding exon 10 of the WNK2 gene, results from a C to A substitution at nucleotide position 2204. The alanine at codon 735 is replaced by aspartic acid, an amino acid with dissimilar properties. This amino acid position is conserved. In addition, the in silico prediction for this alteration is inconclusive. Based on the available evidence, the clinical significance of this variant remains unclear.